The following is an entry in ClinVar:

NM_001006658.3(CR2):c.1073G>A (p.Arg358Lys)

Genes: CR2 (complement C3d receptor 2; plus strand), LOC126805994 (BRD4-independent group 4 enhancer GRCh37_chr1:207642622-207643821; plus strand). Cytogenetic location: 1q32.2.
Variant type: single nucleotide variant.
Coding change: c.1073G>A on transcript NM_001006658.3 (MANE Select); coding-DNA position 1073, G replaced by A.
Protein change: p.Arg358Lys; replaces arginine 358 with lysine.
Molecular consequence: missense variant.
Genome position (GRCh38, 1-based): chr1:207,469,950, G>A. VCF-style: chr1-207469950-G-A. GRCh37 (hg19) VCF-style: chr1-207643295-G-A.
Other names: c.1073G>A, p.Arg358Lys (NM_001877.5); short protein forms R358K.
Identifiers: ClinVar variation 957481 (VCV000957481.9), dbSNP rs200395047, ClinGen allele CA1368619.

ClinVar aggregate classification (germline): Uncertain significance. Review status: criteria provided, multiple submitters, no conflicts (2 of 4 stars). 3 submissions from 3 submitters: Uncertain significance (3). Last evaluated 2024-12-23.

Conditions:
Inborn genetic diseases. Identifiers: MedGen C0950123, MeSH D030342.
Immunodeficiency, common variable, 7. Identifiers: Orphanet 1572, Orphanet 696894, MedGen C3542922, MONDO:0013862, OMIM 614699.

Allele frequency attached by ClinVar (database versions not stated): gnomAD 0.00003 and 0.00005; ExAC 0.00006; TOPMed 0.00006; gnomAD exomes 0.00010; 1000 Genomes Project 30x 0.00016; 1000 Genomes Project 0.00020.
gnomAD v4.1: 45 of 1,614,006 alleles (0.0028%); highest among the groups gnomAD compares: Admixed American, 0.03%; no homozygotes.

Submissions (3):

Ambry Genetics
Classification: Uncertain significance for Inborn genetic diseases. Last evaluated: 2024-12-23. Review status: criteria provided, single submitter. Criteria: Ambry Variant Classification Scheme 2023. Collection method: clinical testing. Allele origin: germline.

Blueprint Genetics
Classification: Uncertain significance. Last evaluated: 2023-09-29. Review status: criteria provided, single submitter. Criteria: ACMG Guidelines, 2015. Collection method: clinical testing. Allele origin: germline.

Labcorp Genetics (formerly Invitae), Labcorp
Classification: Uncertain significance for Immunodeficiency, common variable, 7. Last evaluated: 2022-05-27. Review status: criteria provided, single submitter. Criteria: Invitae Variant Classification Sherloc (09022015). Collection method: clinical testing. Allele origin: germline.
Comment: This sequence change replaces arginine, which is basic and polar, with lysine, which is basic and polar, at codon 358 of the CR2 protein (p.Arg358Lys). This variant is present in population databases (rs200395047, gnomAD 0.04%). This variant has not been reported in the literature in individuals affected with CR2-related conditions. ClinVar contains an entry for this variant (Variation ID: 957481). Algorithms developed to predict the effect of missense changes on protein structure and function are either unavailable or do not agree on the potential impact of this missense change (SIFT: "Tolerated"; PolyPhen-2: "Possibly Damaging"; Align-GVGD: "Class C0"). In summary, the available evidence is currently insufficient to determine the role of this variant in disease. Therefore, it has been classified as a Variant of Uncertain Significance.